The following is an entry in ClinVar:

NM_052947.4(ALPK2):c.4594G>A (p.Ala1532Thr)

Genes: ALPK2 (alpha kinase 2; minus strand), LOC126862764 (BRD4-independent group 4 enhancer GRCh37_chr18:56202574-56203773; plus strand). Cytogenetic location: 18q21.31.
Variant type: single nucleotide variant.
Coding change: c.4594G>A on transcript NM_052947.4 (MANE Select); coding-DNA position 4594, G replaced by A.
Protein change: p.Ala1532Thr; replaces alanine 1532 with threonine.
Molecular consequence: missense variant.
Genome position (GRCh38, 1-based): chr18:58,535,593, C>T on the plus strand (G>A on the coding strand, the complement: ALPK2 is on the minus strand). VCF-style: chr18-58535593-C-T. GRCh37 (hg19) VCF-style: chr18-56202825-C-T.
Other names: short protein forms A1532T.
Identifiers: ClinVar variation 1741728 (VCV001741728.2), dbSNP rs2518874480, ClinGen allele CA402561130.
Genomic context (GRCh38, chr18:58,535,593, plus strand): 5'-AAGCGTGAGTCATTATTGGAAGACAACTAGAAAGAGGTGAAGTGGGGGAAATCAATTCTG[C>T]TTTGTCCTTTTTGCTTTGCTCAGCCTCCCCTAAGCTCCCATCACTGCTTTCTTGTATTTG-3'
Protein context (NP_443179.3, residues 1522-1542): GEAEQSKKDK[Ala1532Thr]ELISPTSPLS

ClinVar aggregate classification (germline): Uncertain significance (1 of 4 stars; one submission).

gnomAD v4.1: 1 of 1,614,188 alleles (0.000062%); highest among the groups gnomAD compares: Non-Finnish European, 0.000085%; no homozygotes.

Submission:

Ambry Genetics
Classification: Uncertain significance. Last evaluated: 2024-02-25. Review status: criteria provided, single submitter. Criteria: Ambry Variant Classification Scheme 2023. Collection method: clinical testing. Allele origin: germline.
Comment: The p.A1532T variant (also known as c.4594G>A), located in coding exon 4 of the ALPK2 gene, results from a G to A substitution at nucleotide position 4594. The alanine at codon 1532 is replaced by threonine, an amino acid with similar properties. This amino acid position is conserved. In addition, this alteration is predicted to be tolerated by in silico analysis. Since supporting evidence is limited at this time, the clinical significance of this alteration remains unclear.